The following is an entry in ClinVar:

ClinVar aggregate classification (germline): Uncertain significance. Review status: criteria provided, multiple submitters, no conflicts (2 of 4 stars). 2 submissions from 2 submitters: Uncertain significance (2). Last evaluated 2026-01-27.

Conditions:
Hereditary cancer-predisposing syndrome. Also called: Neoplastic Syndromes, Hereditary; Hereditary neoplastic syndrome; Tumor predisposition; Hereditary Cancer Syndrome. Identifiers: Orphanet 140162, MedGen C0027672, MeSH D009386, MONDO:0015356.
Fanconi anemia complementation group J. Also called: BRIP1-Related Fanconi Anemia. Identifiers: Orphanet 84, MedGen C1836860, MONDO:0012187, OMIM 609054.
Familial cancer of breast. Also called: BREAST CANCER, FAMILIAL; hereditary breast carcinoma; Hereditary breast cancer. Identifiers: Orphanet 227535, MedGen C0346153, MONDO:0016419, OMIM 114480. Disease mechanism: loss of function.

Allele frequency attached by ClinVar (database versions not stated): gnomAD exomes below 0.00001 and 0.00001; ExAC 0.00001.
gnomAD v4.1: 2 of 1,608,552 alleles (0.00012%); highest among the groups gnomAD compares: Admixed American, 0.0033%; no homozygotes.

Submissions (2):

Labcorp Genetics (formerly Invitae), Labcorp
Classification: Uncertain significance for Familial cancer of breast; Fanconi anemia complementation group J. Last evaluated: 2026-01-27. Review status: criteria provided, single submitter. Criteria: Invitae Variant Classification Sherloc (09022015). Collection method: clinical testing. Allele origin: germline.
Comment: This sequence change replaces phenylalanine, which is neutral and non-polar, with cysteine, which is neutral and slightly polar, at codon 1248 of the BRIP1 protein (p.Phe1248Cys). This variant is present in population databases (rs763579793, gnomAD 0.006%). This variant has not been reported in the literature in individuals affected with BRIP1-related conditions. ClinVar contains an entry for this variant (Variation ID: 530295). Invitae Evidence Modeling of protein sequence and biophysical properties (such as structural, functional, and spatial information, amino acid conservation, physicochemical variation, residue mobility, and thermodynamic stability) indicates that this missense variant is not expected to disrupt BRIP1 protein function with a negative predictive value of 95%. Algorithms developed to predict the effect of sequence changes on RNA splicing suggest that this variant may create or strengthen a splice site. In summary, the available evidence is currently insufficient to determine the role of this variant in disease. Therefore, it has been classified as a Variant of Uncertain Significance.

Ambry Genetics
Classification: Uncertain significance for Hereditary cancer-predisposing syndrome. Last evaluated: 2023-11-15. Review status: criteria provided, single submitter. Criteria: Ambry Variant Classification Scheme 2023. Collection method: clinical testing. Allele origin: germline.
Comment: The p.F1248C variant (also known as c.3743T>G), located in coding exon 19 of the BRIP1 gene, results from a T to G substitution at nucleotide position 3743. The phenylalanine at codon 1248 is replaced by cysteine, an amino acid with highly dissimilar properties. This amino acid position is poorly conserved in available vertebrate species. In addition, this alteration is predicted to be tolerated by in silico analysis. Since supporting evidence is limited at this time, the clinical significance of this alteration remains unclear.

NM_032043.3(BRIP1):c.3743T>G (p.Phe1248Cys)

Gene: BRIP1 (BRCA1 interacting DNA helicase 1; minus strand). Cytogenetic location: 17q23.2.
Variant type: single nucleotide variant.
Coding change: c.3743T>G on transcript NM_032043.3 (MANE Select); coding-DNA position 3743, T replaced by G.
Protein change: p.Phe1248Cys; replaces phenylalanine 1248 with cysteine.
Molecular consequence: missense variant.
Genome position (GRCh38, 1-based): chr17:61,683,303, A>C on the plus strand (T>G on the coding strand, the complement: BRIP1 is on the minus strand). VCF-style: chr17-61683303-A-C. GRCh37 (hg19) VCF-style: chr17-59760664-A-C.
Other names: short protein forms F1248C.
Identifiers: ClinVar variation 530295 (VCV000530295.10), dbSNP rs763579793, ClinGen allele CA8690332.